The following is an entry in ClinVar:

ClinVar aggregate classification (germline): Uncertain significance (1 of 4 stars; one submission).

Submission:

Labcorp Genetics (formerly Invitae), Labcorp
Classification: Uncertain significance. Last evaluated: 2023-02-21. Review status: criteria provided, single submitter. Criteria: Invitae Variant Classification Sherloc (09022015). Collection method: clinical testing. Allele origin: germline.
Comment: In summary, the available evidence is currently insufficient to determine the role of this variant in disease. Therefore, it has been classified as a Variant of Uncertain Significance. Experimental studies and prediction algorithms are not available or were not evaluated, and the functional significance of this variant is currently unknown. ClinVar contains an entry for this variant (Variation ID: 1402953). This variant has not been reported in the literature in individuals affected with DVL1-related conditions. This variant is present in population databases (rs753442476, gnomAD 0.009%). This variant, c.1045_1047dup, results in the insertion of 1 amino acid(s) of the DVL1 protein (p.Val349dup), but otherwise preserves the integrity of the reading frame.

NM_001330311.2(DVL1):c.1045_1047dup (p.Val349dup)

Gene: DVL1 (dishevelled segment polarity protein 1; minus strand). Cytogenetic location: 1p36.33.
Variant type: Duplication.
Coding change: c.1045_1047dup on transcript NM_001330311.2 (MANE Select); coding-DNA positions 1045 to 1047, 3 bases duplicated (GTC; older notation c.1045_1047dupGTC).
Protein change: p.Val349dup; duplicates valine 349.
Molecular consequence: inframe insertion.
Genome position (GRCh38, 1-based): chr1:1,339,589-1,339,591, GAC duplicated on the plus strand (GTC on the coding strand, the reverse complement: DVL1 is on the minus strand); duplicating any 3 consecutive bases within chr1:1,339,589-1,339,592 gives the same sequence; the c. name uses the placement nearest the transcript's 3' end. VCF-style (leftmost placement, unchanged base first): chr1-1339588-G-GGAC. GRCh37 (hg19) VCF-style: chr1-1274968-G-GGAC.
Other names: c.1045_1047dup, p.Val349dup (NM_004421.3).
Identifiers: ClinVar variation 1402953 (VCV001402953.8), dbSNP rs753442476, ClinGen allele CA520264.